The following is an entry in ClinVar:

NM_000065.5(C6):c.1205T>C (p.Ile402Thr)

Gene: C6 (complement C6; minus strand). Cytogenetic location: 5p13.1.
Variant type: single nucleotide variant.
Coding change: c.1205T>C on transcript NM_000065.5 (MANE Select); coding-DNA position 1205, T replaced by C.
Protein change: p.Ile402Thr; replaces isoleucine 402 with threonine.
Molecular consequence: missense variant.
Genome position (GRCh38, 1-based): chr5:41,172,311, A>G on the plus strand (T>C on the coding strand, the complement: C6 is on the minus strand). VCF-style: chr5-41172311-A-G. GRCh37 (hg19) VCF-style: chr5-41172413-A-G.
Other names: c.1205T>C, p.Ile402Thr (NM_001115131.4); c.1205T>C (NM_000065.2); short protein forms I402T.
Identifiers: ClinVar variation 994396 (VCV000994396.12), dbSNP rs139261476, ClinGen allele CA3252528.

ClinVar aggregate classification (germline): Uncertain significance. Review status: criteria provided, multiple submitters, no conflicts (2 of 4 stars). 4 submissions from 4 submitters: Uncertain significance (4). Last evaluated 2022-08-11.

Conditions:
Complement component 6 deficiency (C6D). Also called: C6 DEFICIENCY. Identifiers: MedGen C2676232, MONDO:0012908, OMIM 612446.
Inborn genetic diseases. Identifiers: MedGen C0950123, MeSH D030342.

Allele frequency attached by ClinVar (database versions not stated): ExAC 0.00005; ESP Exome Variant Server 0.00008; gnomAD exomes 0.00008; gnomAD 0.00009 and 0.00011; TOPMed 0.00010.
gnomAD v4.1: 135 of 1,613,376 alleles (0.0084%); highest among the groups gnomAD compares: Non-Finnish European, 0.01%; no homozygotes.

Submissions (4):

Ambry Genetics
Classification: Uncertain significance for Inborn genetic diseases. Last evaluated: 2022-08-11. Review status: criteria provided, single submitter. Criteria: Ambry Variant Classification Scheme 2023. Collection method: clinical testing. Allele origin: germline.

Labcorp Genetics (formerly Invitae), Labcorp
Classification: Uncertain significance. Last evaluated: 2022-07-25. Review status: criteria provided, single submitter. Criteria: Invitae Variant Classification Sherloc (09022015). Collection method: clinical testing. Allele origin: germline.
Comment: This sequence change replaces isoleucine, which is neutral and non-polar, with threonine, which is neutral and polar, at codon 402 of the C6 protein (p.Ile402Thr). This variant is present in population databases (rs139261476, gnomAD 0.01%). This variant has not been reported in the literature in individuals affected with C6-related conditions. ClinVar contains an entry for this variant (Variation ID: 994396). Algorithms developed to predict the effect of missense changes on protein structure and function output the following: SIFT: "Tolerated"; PolyPhen-2: "Benign"; Align-GVGD: "Class C0". The threonine amino acid residue is found in multiple mammalian species, which suggests that this missense change does not adversely affect protein function. In summary, the available evidence is currently insufficient to determine the role of this variant in disease. Therefore, it has been classified as a Variant of Uncertain Significance.

Fulgent Genetics
Classification: Uncertain significance for Complement component 6 deficiency. Last evaluated: 2021-12-06. Review status: criteria provided, single submitter. Criteria: ACMG Guidelines, 2015. Collection method: clinical testing. Allele origin: unknown.

ARUP Laboratories, Molecular Genetics and Genomics, ARUP Laboratories
Classification: Uncertain significance. Last evaluated: 2019-09-25. Review status: criteria provided, single submitter. Criteria: ARUP Molecular Germline Variant Investigation Process. Collection method: clinical testing. Allele origin: germline.